The following is an entry in ClinVar:

NM_001374353.1(GLI2):c.592G>A (p.Gly198Arg)

Gene: GLI2 (GLI family zinc finger 2; plus strand). Cytogenetic location: 2q14.2.
Variant type: single nucleotide variant.
Coding change: c.592G>A on transcript NM_001374353.1 (MANE Select); coding-DNA position 592, G replaced by A.
Protein change: p.Gly198Arg; replaces glycine 198 with arginine.
Molecular consequence: missense variant.
Genome position (GRCh38, 1-based): chr2:120,955,379, G>A. VCF-style: chr2-120955379-G-A. GRCh37 (hg19) VCF-style: chr2-121712955-G-A.
Other names: c.592G>A, p.Gly198Arg (NM_001371271.1, NM_005270.5); c.217G>A, p.Gly73Arg (NM_001374354.1); short protein forms G73R, G198R.
Identifiers: ClinVar variation 4790039 (VCV004790039.1).
Genomic context (GRCh38, chr2:120,955,379, plus strand): 5'-CACCAGATGACCCTCGTGGCAGGCCACCCCGCGCCCTACGGGGACCTGCTGATGCAGAGC[G>A]GGGGCGCTGCCAGCGCACCCCATCTCCACGACTACCTCAACCCCGTGGACGGTGAGTGCT-3'
Protein context (NP_001361282.1, residues 188-208): APYGDLLMQS[Gly198Arg]GAASAPHLHD

ClinVar aggregate classification (germline): Uncertain significance (1 of 4 stars; one submission).

Conditions:
Postaxial polydactyly-anterior pituitary anomalies-facial dysmorphism syndrome. Also called: Culler-Jones syndrome. Identifiers: Orphanet 420584, MedGen C4014479, MONDO:0014369, OMIM 615849.
Holoprosencephaly 9 (HPE9). Also called: PITUITARY ANOMALIES WITH HOLOPROSENCEPHALY-LIKE FEATURES; HOLOPROSENCEPHALY WITH MICROPHTHALMIA AND FIRST BRANCHIAL ARCH ANOMALIES. Identifiers: Orphanet 2162, MedGen C1835819, MONDO:0012563, OMIM 610829.

gnomAD v4.1: 79 of 1,612,488 alleles (0.0049%); highest among the groups gnomAD compares: African/African-American, 0.049%; no homozygotes.

Submission:

Labcorp Genetics (formerly Invitae), Labcorp
Classification: Uncertain significance for Postaxial polydactyly-anterior pituitary anomalies-facial dysmorphism syndrome; Holoprosencephaly 9. Last evaluated: 2025-10-21. Review status: criteria provided, single submitter. Criteria: Invitae Variant Classification Sherloc (09022015). Collection method: clinical testing. Allele origin: germline.
Comment: This sequence change replaces glycine, which is neutral and non-polar, with arginine, which is basic and polar, at codon 198 of the GLI2 protein (p.Gly198Arg). This variant is present in population databases (rs567800401, gnomAD 0.03%). This variant has not been reported in the literature in individuals affected with GLI2-related conditions. An algorithm developed to predict the effect of missense changes on protein structure and function (PolyPhen-2) suggests that this variant is likely to be disruptive. In summary, the available evidence is currently insufficient to determine the role of this variant in disease. Therefore, it has been classified as a Variant of Uncertain Significance.